The following is an entry in ClinVar:

NM_000110.4(DPYD):c.1007T>C (p.Ile336Thr)

Gene: DPYD (dihydropyrimidine dehydrogenase; minus strand). Cytogenetic location: 1p21.3.
Variant type: single nucleotide variant.
Coding change: c.1007T>C on transcript NM_000110.4 (MANE Select); coding-DNA position 1007, T replaced by C.
Protein change: p.Ile336Thr; replaces isoleucine 336 with threonine.
Molecular consequence: missense variant.
Genome position (GRCh38, 1-based): chr1:97,593,339, A>G on the plus strand (T>C on the coding strand, the complement: DPYD is on the minus strand). VCF-style: chr1-97593339-A-G. GRCh37 (hg19) VCF-style: chr1-98058895-A-G.
Other names: short protein forms I336T.
Identifiers: ClinVar variation 5019468 (VCV005019468.2).
Genomic context (GRCh38, chr1:97,593,339, plus strand): 5'-GCTCCACAACGTAGAGCAGATGTTGCACAGTCAAAGGCAGTGTCTCCAGCTCCAAGTACA[A>G]TCACGACTCCCCGTATCGATGGCAATGGAGAGTGACAGGCGCACATTCCTGAATGATGAA-3'
Protein context (NP_000101.2, residues 326-346): SPLPSIRGVV[Ile336Thr]VLGAGDTAFD

ClinVar aggregate classification (germline): Uncertain significance (1 of 4 stars; one submission).

Conditions:
Dihydropyrimidine dehydrogenase deficiency (DPYDD). Also called: Hereditary Thymine-Uraciluria; DPD DEFICIENCY; DPYD DEFICIENCY. Identifiers: Orphanet 1675, MedGen C1959620, MONDO:0010130, OMIM 274270.

gnomAD v4.1: 6 of 1,614,014 alleles (0.00037%); highest among the groups gnomAD compares: East Asian, 0.013%; no homozygotes.

Submission:

Juno Genomics, Hangzhou Juno Genomics, Inc
Classification: Uncertain significance for Dihydropyrimidine dehydrogenase deficiency. Review status: criteria provided, single submitter. Criteria: ACMG Guidelines, 2015. Collection method: clinical testing. Allele origin: germline.
Comment: Absent from controls (or at extremely low frequency if recessive) in Genome Aggregation Database.;Multiple lines of computational evidence support a deleterious effect on the gene or gene product.